The following is an entry in ClinVar:

ClinVar aggregate classification (germline): Conflicting classifications of pathogenicity. Review status: criteria provided, conflicting classifications (1 of 4 stars). 2 submissions from 2 submitters: Likely pathogenic (1); Uncertain significance (1). Last evaluated 2024-05-30.

Conditions:
Progressive familial intrahepatic cholestasis type 2. Identifiers: Orphanet 79304, MedGen C3489789, MONDO:0011156, OMIM 601847.
Benign recurrent intrahepatic cholestasis type 2 (BRIC2). Also called: Recurrent familial intrahepatic cholestasis 2. Identifiers: Orphanet 65682, Orphanet 99961, MedGen C2608083, MONDO:0011559, OMIM 605479.

Submissions (2):

Fulgent Genetics
Classification: Likely pathogenic for Progressive familial intrahepatic cholestasis type 2; Benign recurrent intrahepatic cholestasis type 2. Last evaluated: 2024-05-30. Review status: criteria provided, single submitter. Criteria: ACMG Guidelines, 2015. Collection method: clinical testing. Allele origin: germline.

Women's Health and Genetics/Laboratory Corporation of America, LabCorp
Classification: Uncertain significance. Last evaluated: 2024-05-28. Review status: criteria provided, single submitter. Criteria: LabCorp Variant Classification Summary - May 2015. Collection method: clinical testing. Allele origin: germline.
Comment: Variant summary: ABCB11 c.3382C>A (p.Arg1128Ser) results in a non-conservative amino acid change located in the ABC transporter-like, ATP-binding domain (IPR003439) of the encoded protein sequence. Five of five in-silico tools predict a damaging effect of the variant on protein function. The variant was absent in 237980 control chromosomes. The available data on variant occurrences in the general population are insufficient to allow any conclusion about variant significance. To our knowledge, no occurrence of c.3382C>A in individuals affected with Familial Intrahepatic Cholestasis and no experimental evidence demonstrating its impact on protein function have been reported. No submitters have cited clinical-significance assessments for this variant to ClinVar. Based on the evidence outlined above, the variant was classified as uncertain significance.

NM_003742.4(ABCB11):c.3382C>A (p.Arg1128Ser)

Gene: ABCB11 (ATP binding cassette subfamily B member 11; minus strand). Cytogenetic location: 2q31.1.
Variant type: single nucleotide variant.
Coding change: c.3382C>A on transcript NM_003742.4 (MANE Select); coding-DNA position 3382, C replaced by A.
Protein change: p.Arg1128Ser; replaces arginine 1128 with serine.
Molecular consequence: missense variant.
Genome position (GRCh38, 1-based): chr2:168,930,694, G>T on the plus strand (C>A on the coding strand, the complement: ABCB11 is on the minus strand). VCF-style: chr2-168930694-G-T. GRCh37 (hg19) VCF-style: chr2-169787204-G-T.
Other names: short protein forms R1128S.
Identifiers: ClinVar variation 3336324 (VCV003336324.2).